The following is an entry in ClinVar:

ClinVar aggregate classification (germline): Uncertain significance. Review status: criteria provided, multiple submitters, no conflicts (2 of 4 stars). 2 submissions from 2 submitters: Uncertain significance (2). Last evaluated 2025-08-05.

Conditions:
Primary dilated cardiomyopathy (DCM). Also called: Dilated Cardiomyopathy. Identifiers: Orphanet 217604, MedGen C0007193, MeSH D002311, MONDO:0005021, HP:0001644. Inheritance: Various modes of inheritance.

gnomAD v4.1: 24 of 1,614,064 alleles (0.0015%); highest among the groups gnomAD compares: Non-Finnish European, 0.002%; no homozygotes.

Submissions (2):

Ambry Genetics
Classification: Uncertain significance. Last evaluated: 2025-08-05. Review status: criteria provided, single submitter. Criteria: Ambry Variant Classification Scheme 2023. Collection method: clinical testing. Allele origin: germline.

Labcorp Genetics (formerly Invitae), Labcorp
Classification: Uncertain significance for Primary dilated cardiomyopathy. Last evaluated: 2024-02-01. Review status: criteria provided, single submitter. Criteria: Invitae Variant Classification Sherloc (09022015). Collection method: clinical testing. Allele origin: germline.
Comment: This sequence change replaces glutamic acid, which is acidic and polar, with glutamine, which is neutral and polar, at codon 807 of the NEBL protein (p.Glu807Gln). This variant is present in population databases (rs756550826, gnomAD 0.003%). This variant has not been reported in the literature in individuals affected with NEBL-related conditions. An algorithm developed to predict the effect of missense changes on protein structure and function (PolyPhen-2) suggests that this variant is likely to be disruptive. In summary, the available evidence is currently insufficient to determine the role of this variant in disease. Therefore, it has been classified as a Variant of Uncertain Significance.

NM_006393.3(NEBL):c.2419G>C (p.Glu807Gln)

Gene: NEBL (nebulette; minus strand). Cytogenetic location: 10p12.31.
Variant type: single nucleotide variant.
Coding change: c.2419G>C on transcript NM_006393.3 (MANE Select); coding-DNA position 2419, G replaced by C.
Protein change: p.Glu807Gln; replaces glutamic acid 807 with glutamine.
Molecular consequence: missense variant.
Genome position (GRCh38, 1-based): chr10:20,812,868, C>G on the plus strand (G>C on the coding strand, the complement: NEBL is on the minus strand). VCF-style: chr10-20812868-C-G. GRCh37 (hg19) VCF-style: chr10-21101797-C-G.
Other names: c.430G>C, p.Glu144Gln (NM_001173484.2, NM_001377322.1, NM_213569.2); c.382G>C, p.Glu128Gln (NM_001377323.1); c.373G>C, p.Glu125Gln (NM_001377324.1); c.364G>C, p.Glu122Gln (NM_001377325.1); c.322G>C, p.Glu108Gln (NM_001377326.1, NM_001377327.1, NM_001377328.1); short protein forms E108Q, E122Q, E125Q, E128Q, E144Q, E807Q.
Identifiers: ClinVar variation 3620545 (VCV003620545.3).